The following is an entry in ClinVar:

NM_001100.4(ACTA1):c.109G>C (p.Val37Leu)

Gene: ACTA1 (actin alpha 1, skeletal muscle; minus strand). Cytogenetic location: 1q42.13.
Variant type: single nucleotide variant.
Coding change: c.109G>C on transcript NM_001100.4 (MANE Select); coding-DNA position 109, G replaced by C.
Protein change: p.Val37Leu; replaces valine 37 with leucine.
Molecular consequence: missense variant.
Genome position (GRCh38, 1-based): chr1:229,433,007, C>G on the plus strand (G>C on the coding strand, the complement: ACTA1 is on the minus strand). VCF-style: chr1-229433007-C-G. GRCh37 (hg19) VCF-style: chr1-229568754-C-G.
Other names: short protein forms V37L.
Identifiers: ClinVar variation 639455 (VCV000639455.53), dbSNP rs1553255521, ClinGen allele CA345151303.
Genomic context (GRCh38, chr1:229,433,007, plus strand): 5'-GGACCCCGAGCCGGCTCCCTCTGCGGAGGGGCAGCCTGACCTGGTGTCGGGGGCGGCCCA[C>G]GATGGACGGGAACACGGCCCTAGGGGCGTCATCCCCGGCGAAGCCGGCTTTCACCAGGCC-3'
Protein context (NP_001091.1, residues 27-47): DAPRAVFPSI[Val37Leu]GRPRHQGVMV

ClinVar aggregate classification (germline): Pathogenic. Review status: criteria provided, multiple submitters, no conflicts (2 of 4 stars). 4 submissions from 4 submitters: Pathogenic (4). Last evaluated 2023-07-17.

Conditions:
Actin accumulation myopathy (CMYO2A). Also called: CONGENITAL MYOPATHY 2A, TYPICAL, AUTOSOMAL DOMINANT; Myopathy, actin, congenital, with cores; Nemaline myopathy 3, with intranuclear rods; Nemaline myopathy type 3; Myopathy, actin, congenital, with excess of thin myofilaments. Identifiers: Orphanet 98904, MedGen C3711389, MONDO:0008070, OMIM 161800.
ACTA1-related disorder. Also called: ACTA1-related condition.

Submissions (4):

Labcorp Genetics (formerly Invitae), Labcorp
Classification: Pathogenic for Actin accumulation myopathy. Last evaluated: 2023-07-17. Review status: criteria provided, single submitter. Criteria: Invitae Variant Classification Sherloc (09022015). Collection method: clinical testing. Allele origin: germline.
Comment: For these reasons, this variant has been classified as Pathogenic. Advanced modeling of protein sequence and biophysical properties (such as structural, functional, and spatial information, amino acid conservation, physicochemical variation, residue mobility, and thermodynamic stability) performed at Invitae indicates that this missense variant is not expected to disrupt ACTA1 protein function. ClinVar contains an entry for this variant (Variation ID: 639455). This variant is also known as c.212G>C. This missense change has been observed in individual(s) with autosomal dominant nemaline myopathy (PMID: 12921789, 15236405, 19562689). In at least one individual the variant was observed to be de novo. This variant is not present in population databases (gnomAD no frequency). This sequence change replaces valine, which is neutral and non-polar, with leucine, which is neutral and non-polar, at codon 37 of the ACTA1 protein (p.Val37Leu).

Center for Personalized Medicine, Children's Hospital Los Angeles
Classification: Pathogenic. Last evaluated: 2022-12-21. Review status: criteria provided, single submitter. Criteria: ACMG Guidelines, 2015. Collection method: clinical testing. Allele origin: de novo. Affected: yes.

Blueprint Genetics
Classification: Pathogenic for ACTA1-related disorders. Last evaluated: 2022-02-01. Review status: criteria provided, single submitter. Criteria: ACMG Guidelines, 2015. Collection method: clinical testing. Allele origin: germline. Affected: yes. Observed: 1 variant allele.

CeGaT Center for Human Genetics Tuebingen
Classification: Pathogenic. Last evaluated: 2018-09-01. Review status: criteria provided, single submitter. Criteria: CeGaT Center For Human Genetics Tuebingen Variant Classification Criteria Version 2. Collection method: clinical testing. Allele origin: germline. Affected: yes. Observed: 1 variant allele.

Literature cited by the submitters: PubMed 12921789 (cited by Labcorp Genetics (formerly Invitae), Labcorp); PubMed 15236405 (cited by Labcorp Genetics (formerly Invitae), Labcorp); PubMed 19562689 (cited by Labcorp Genetics (formerly Invitae), Labcorp).